The following is an entry in ClinVar:

NM_001367479.1(DNAH14):c.6175A>G (p.Met2059Val)

Gene: DNAH14 (dynein axonemal heavy chain 14; plus strand). Cytogenetic location: 1q42.12.
Variant type: single nucleotide variant.
Coding change: c.6175A>G on transcript NM_001367479.1 (MANE Select); coding-DNA position 6175, A replaced by G.
Protein change: p.Met2059Val; replaces methionine 2059 with valine.
Molecular consequence: missense variant.
Genome position (GRCh38, 1-based): chr1:225,206,168, A>G. VCF-style: chr1-225206168-A-G. GRCh37 (hg19) VCF-style: chr1-225393870-A-G.
Other names: NM_001373.1:c.6109A>G; short protein forms M2059V.
Identifiers: ClinVar variation 5037664 (VCV005037664.1).

ClinVar aggregate classification (germline): Uncertain significance (1 of 4 stars; one submission).

gnomAD v4.1: 4 of 1,546,084 alleles (0.00026%); highest among the groups gnomAD compares: South Asian, 0.0036%; no homozygotes.

Submission:

GeneDx
Classification: Uncertain significance. Last evaluated: 2026-04-26. Review status: criteria provided, single submitter. Criteria: GeneDx Variant Classification Process June 2021. Collection method: clinical testing. Allele origin: germline.
Comment: In silico analysis supports that this missense variant has a deleterious effect on protein structure/function; Has not been previously published as pathogenic or benign to our knowledge